The following is an entry in ClinVar:

NM_002109.6(HARS1):c.1439C>T (p.Ser480Leu)

Gene: HARS1 (histidyl-tRNA synthetase 1; minus strand). Cytogenetic location: 5q31.3.
Variant type: single nucleotide variant.
Coding change: c.1439C>T on transcript NM_002109.6 (MANE Select); coding-DNA position 1439, C replaced by T.
Protein change: p.Ser480Leu; replaces serine 480 with leucine.
Molecular consequence: missense variant.
Genome position (GRCh38, 1-based): chr5:140,674,698, G>A on the plus strand (C>T on the coding strand, the complement: HARS1 is on the minus strand). VCF-style: chr5-140674698-G-A. GRCh37 (hg19) VCF-style: chr5-140054283-G-A.
Other names: c.1319C>T, p.Ser440Leu (NM_001258040.3); c.1379C>T, p.Ser460Leu (NM_001258041.3); c.1259C>T, p.Ser420Leu (NM_001258042.3); c.1217C>T, p.Ser406Leu (NM_001289092.2); c.1097C>T, p.Ser366Leu (NM_001289093.2); c.1352C>T, p.Ser451Leu (NM_001289094.2); short protein forms S420L, S451L, S406L, S480L, S366L, S440L, S460L.
Identifiers: ClinVar variation 654293 (VCV000654293.10), dbSNP rs1581500046, ClinGen allele CA361246827.

ClinVar aggregate classification (germline): Uncertain significance (1 of 4 stars; one submission).

Conditions:
Usher syndrome type 3B. Also called: USHER SYNDROME, TYPE IIIB. Identifiers: MedGen C3281066, MONDO:0013788, OMIM 614504.

Allele frequency attached by ClinVar (database versions not stated): TOPMed 0.00001.

Submission:

Labcorp Genetics (formerly Invitae), Labcorp
Classification: Uncertain significance for Usher syndrome type 3B. Last evaluated: 2020-03-03. Review status: criteria provided, single submitter. Criteria: Invitae Variant Classification Sherloc (09022015). Collection method: clinical testing. Allele origin: germline.
Comment: Algorithms developed to predict the effect of missense changes on protein structure and function (SIFT, PolyPhen-2, Align-GVGD) all suggest that this variant is likely to be tolerated, but these predictions have not been confirmed by published functional studies and their clinical significance is uncertain. In summary, the available evidence is currently insufficient to determine the role of this variant in disease. Therefore, it has been classified as a Variant of Uncertain Significance. This variant has not been reported in the literature in individuals with HARS-related conditions. This variant is not present in population databases (ExAC no frequency). This sequence change replaces serine with leucine at codon 480 of the HARS protein (p.Ser480Leu). The serine residue is weakly conserved and there is a large physicochemical difference between serine and leucine.